The following is an entry in ClinVar:

NM_001271.4(CHD2):c.2363G>A (p.Arg788Lys)

Gene: CHD2 (chromodomain helicase DNA binding protein 2; plus strand). Cytogenetic location: 15q26.1.
Variant type: single nucleotide variant.
Coding change: c.2363G>A on transcript NM_001271.4 (MANE Select); coding-DNA position 2363, G replaced by A.
Protein change: p.Arg788Lys; replaces arginine 788 with lysine.
Molecular consequence: missense variant.
Genome position (GRCh38, 1-based): chr15:92,972,275, G>A. VCF-style: chr15-92972275-G-A. GRCh37 (hg19) VCF-style: chr15-93515505-G-A.
Other names: short protein forms R788K.
Identifiers: ClinVar variation 1449574 (VCV001449574.6), dbSNP rs2141836184, ClinGen allele CA393893131.
Genomic context (GRCh38, chr15:92,972,275, plus strand): 5'-TTAAAATTTGTGTTTCAACATAATTATTGGAATGTCTTTTAAATCTTCAGTCCCTCATAA[G>A]GAGCAGTGGGAAGTTGATTTTATTAGACAAACTGTTGACAAGACTTCGAGAAAGGGGGAA-3'
Protein context (NP_001262.3, residues 778-798): NGQEILLSLI[Arg788Lys]SSGKLILLDK

ClinVar aggregate classification (germline): Uncertain significance (1 of 4 stars; one submission).

Conditions:
Developmental and epileptic encephalopathy 94 (DEE94). Also called: CHD2-Related Neurodevelopmental Disorders; Epileptic encephalopathy, childhood-onset. Identifiers: Orphanet 1942, Orphanet 2382, MedGen C3809278, MONDO:0014150, OMIM 615369.

Submission:

Labcorp Genetics (formerly Invitae), Labcorp
Classification: Uncertain significance for Developmental and epileptic encephalopathy 94. Last evaluated: 2021-09-15. Review status: criteria provided, single submitter. Criteria: Invitae Variant Classification Sherloc (09022015). Collection method: clinical testing. Allele origin: germline.
Comment: This sequence change replaces arginine with lysine at codon 788 of the CHD2 protein (p.Arg788Lys). The arginine residue is highly conserved and there is a small physicochemical difference between arginine and lysine. This variant is not present in population databases (ExAC no frequency). This variant has not been reported in the literature in individuals affected with CHD2-related conditions. Advanced modeling of protein sequence and biophysical properties (such as structural, functional, and spatial information, amino acid conservation, physicochemical variation, residue mobility, and thermodynamic stability) performed at Invitae indicates that this missense variant is not expected to disrupt CHD2 protein function. In summary, the available evidence is currently insufficient to determine the role of this variant in disease. Therefore, it has been classified as a Variant of Uncertain Significance.